The following is an entry in ClinVar:

ClinVar aggregate classification (germline): Uncertain significance. Review status: criteria provided, multiple submitters, no conflicts (2 of 4 stars). 2 submissions from 2 submitters: Uncertain significance (2). Last evaluated 2025-12-09.

Conditions:
Oligodontia-cancer predisposition syndrome. Also called: TOOTH AGENESIS-COLORECTAL CANCER SYNDROME. Identifiers: Orphanet 300576, MedGen C1837750, MONDO:0012075, OMIM 608615. Disease mechanism: loss of function.
Hereditary cancer-predisposing syndrome. Also called: Neoplastic Syndromes, Hereditary; Tumor predisposition; Hereditary Cancer Syndrome; Hereditary neoplastic syndrome. Identifiers: Orphanet 140162, MedGen C0027672, MeSH D009386, MONDO:0015356.

Allele frequency attached by ClinVar (database versions not stated): gnomAD exomes below 0.00001.

Submissions (2):

Labcorp Genetics (formerly Invitae), Labcorp
Classification: Uncertain significance for Oligodontia-cancer predisposition syndrome. Last evaluated: 2025-12-09. Review status: criteria provided, single submitter. Criteria: Invitae Variant Classification Sherloc (09022015). Collection method: clinical testing. Allele origin: germline.
Comment: This sequence change replaces glutamic acid, which is acidic and polar, with lysine, which is basic and polar, at codon 529 of the AXIN2 protein (p.Glu529Lys). This variant is not present in population databases (gnomAD no frequency). This variant has not been reported in the literature in individuals affected with AXIN2-related conditions. ClinVar contains an entry for this variant (Variation ID: 2819232). Invitae Evidence Modeling of protein sequence and biophysical properties (such as structural, functional, and spatial information, amino acid conservation, physicochemical variation, residue mobility, and thermodynamic stability) indicates that this missense variant is not expected to disrupt AXIN2 protein function with a negative predictive value of 80%. In summary, the available evidence is currently insufficient to determine the role of this variant in disease. Therefore, it has been classified as a Variant of Uncertain Significance.

Ambry Genetics
Classification: Uncertain significance for Hereditary cancer-predisposing syndrome. Last evaluated: 2025-06-21. Review status: criteria provided, single submitter. Criteria: Ambry Variant Classification Scheme 2023. Collection method: clinical testing. Allele origin: germline.
Comment: The p.E529K variant (also known as c.1585G>A), located in coding exon 5 of the AXIN2 gene, results from a G to A substitution at nucleotide position 1585. The glutamic acid at codon 529 is replaced by lysine, an amino acid with similar properties. This amino acid position is conserved. In addition, the in silico prediction for this alteration is inconclusive. Based on the available evidence, the clinical significance of this variant remains unclear.

NM_004655.4(AXIN2):c.1585G>A (p.Glu529Lys)

Gene: AXIN2 (axin 2; minus strand). Cytogenetic location: 17q24.1.
Variant type: single nucleotide variant.
Coding change: c.1585G>A on transcript NM_004655.4 (MANE Select); coding-DNA position 1585, G replaced by A.
Protein change: p.Glu529Lys; replaces glutamic acid 529 with lysine.
Molecular consequence: missense variant.
Genome position (GRCh38, 1-based): chr17:65,537,451, C>T on the plus strand (G>A on the coding strand, the complement: AXIN2 is on the minus strand). VCF-style: chr17-65537451-C-T. GRCh37 (hg19) VCF-style: chr17-63533569-C-T.
Other names: c.1585G>A, p.Glu529Lys (NM_001363813.1); short protein forms E529K.
Identifiers: ClinVar variation 2819232 (VCV002819232.4), dbSNP rs2043948370, ClinGen allele CA400677211.